The following is an entry in ClinVar:

ClinVar aggregate classification (germline): Uncertain significance. Review status: criteria provided, multiple submitters, no conflicts (2 of 4 stars). 2 submissions from 2 submitters: Uncertain significance (2). Last evaluated 2026-04-06.

Conditions:
NRXN1-related disorder.

Allele frequency attached by ClinVar (database versions not stated): gnomAD exomes below 0.00001; ExAC 0.00001.
gnomAD v4.1: 4 of 1,613,458 alleles (0.00025%); highest among the groups gnomAD compares: South Asian, 0.0011%; no homozygotes.

Submissions (2):

PreventionGenetics, part of Exact Sciences
Classification: Uncertain significance for NRXN1-related condition. Last evaluated: 2026-04-06. Review status: criteria provided, single submitter. Criteria: ACMG Guidelines, 2015. Collection method: clinical testing. Allele origin: germline.
Comment: The NRXN1 c.3124A>G variant is predicted to result in the amino acid substitution p.Thr1042Ala. To our knowledge, this variant has not been reported in the literature or in a large population database (gnomAD), indicating this variant is rare. At this time, the clinical significance of this variant is uncertain due to the absence of conclusive functional and genetic evidence.

CeGaT Center for Human Genetics Tuebingen
Classification: Uncertain significance. Last evaluated: 2023-07-01. Review status: criteria provided, single submitter. Criteria: CeGaT Center For Human Genetics Tuebingen Variant Classification Criteria Version 2. Collection method: clinical testing. Allele origin: germline. Affected: yes. Observed: 1 variant allele.
Comment: NRXN1: PM2

NM_001330078.2(NRXN1):c.3004A>G (p.Thr1002Ala)

Gene: NRXN1 (neurexin 1; minus strand). Cytogenetic location: 2p16.3.
Variant type: single nucleotide variant.
Coding change: c.3004A>G on transcript NM_001330078.2 (MANE Select); coding-DNA position 3004, A replaced by G.
Protein change: p.Thr1002Ala; replaces threonine 1002 with alanine.
Molecular consequence: missense variant.
Genome position (GRCh38, 1-based): chr2:50,495,971, T>C on the plus strand (A>G on the coding strand, the complement: NRXN1 is on the minus strand). VCF-style: chr2-50495971-T-C. GRCh37 (hg19) VCF-style: chr2-50723109-T-C.
Other names: c.2893A>G, p.Thr965Ala (NM_001330087.2, NM_001330096.2); c.2923A>G, p.Thr975Ala (NM_001330088.2); c.3001A>G, p.Thr1001Ala (NM_001330093.2); c.2992A>G, p.Thr998Ala (NM_001330094.2); c.2953A>G, p.Thr985Ala (NM_001330095.2); c.3004A>G, p.Thr1002Ala (NM_004801.6, NM_001330086.2); c.3124A>G, p.Thr1042Ala (NM_001135659.3); c.2980A>G, p.Thr994Ala (NM_001330077.2, NM_001330082.2); and 3 more; short protein forms T1001A, T1002A, T1042A, T965A, T975A, T980A, T985A, T993A.
Identifiers: ClinVar variation 2578855 (VCV002578855.26), dbSNP rs746040921, ClinGen allele CA1654693.
Genomic context (GRCh38, chr2:50,495,971, plus strand): 5'-GGTCTAAGTTCCTGGCTCCGGCGGTGATTTGCGTTGTGATTTTTGTGTCAATCTTTACAG[T>C]GTGGAGGTTGCTGGTGTCCCTTGATATCATCACGTTGTGCCACTGATTGTCATTGAGAGG-3'
Protein context (NP_001317007.1, residues 992-1012): MISRDTSNLH[Thr1002Ala]VKIDTKITTQ